The following is an entry in ClinVar:

ClinVar aggregate classification (germline): Benign (1 of 4 stars; one submission).

Conditions:
Seizures, benign familial infantile, 3 (BFIS3). Also called: CONVULSIONS, BENIGN FAMILIAL INFANTILE, 3; Familial neonatal seizures. Identifiers: Orphanet 140927, Orphanet 306, MedGen C1843140, MONDO:0011904, OMIM 607745.

Allele frequency attached by ClinVar (database versions not stated): gnomAD 0.00001 and 0.00005; TOPMed 0.00001; 1000 Genomes Project 30x 0.00031; 1000 Genomes Project 0.00040.

Submission:

Illumina Laboratory Services, Illumina
Classification: Benign for Seizures, benign familial infantile, 3. Last evaluated: 2018-01-13. Review status: criteria provided, single submitter. Criteria: ICSL Variant Classification Criteria 13 December 2019. Collection method: clinical testing. Allele origin: germline.
Comment: This variant was observed in the ICSL laboratory as part of a predisposition screen in an ostensibly healthy population. It had not been previously curated by ICSL or reported in the Human Gene Mutation Database (HGMD: prior to June 1st, 2018), and was therefore a candidate for classification through an automated scoring system. Utilizing variant allele frequency, disease prevalence and penetrance estimates, and inheritance mode, an automated score was calculated to assess if this variant is too frequent to cause the disease. Based on the score and internal cut-off values, a variant classified as benign is not then subjected to further curation. The score for this variant resulted in a classification of benign for this disease.

NM_001040142.2(SCN2A):c.*1753C>T

Gene: SCN2A (sodium voltage-gated channel alpha subunit 2; plus strand). Cytogenetic location: 2q24.3.
Variant type: single nucleotide variant.
Coding change: c.*1753C>T on transcript NM_001040142.2 (MANE Select); 1753 bases downstream of the stop codon, C replaced by T.
Molecular consequence: 3 prime UTR variant.
Genome position (GRCh38, 1-based): chr2:165,391,577, C>T. VCF-style: chr2-165391577-C-T. GRCh37 (hg19) VCF-style: chr2-166248087-C-T.
Other names: c.*1753C>T (NM_001040143.2, NM_001371246.1, NM_001371247.1 and 1 more transcripts).
Identifiers: ClinVar variation 331757 (VCV000331757.5), dbSNP rs74881341, ClinGen allele CA10611508.
Genomic context (GRCh38, chr2:165,391,577, plus strand): 5'-AGCAAGGACTAGGATGCAGTGTAGGTTTCTGCTTTTTTATTAGTACTGTAAACTTGCACA[C>T]ATTTCAATGTGAAACAAATCTCAAACTGAGTTCAATGTTTATTTGCTTTCAATAGTAATG-3'